The following is an entry in ClinVar:

ClinVar aggregate classification (germline): Likely pathogenic (1 of 4 stars; one submission).

Conditions:
Walker-Warburg congenital muscular dystrophy. Also called: Muscular dystrophy-dystroglycanopathy, type A; Walker-Warburg syndrome. Identifiers: Orphanet 899, MedGen C0265221, MONDO:0000171.
Muscular dystrophy-dystroglycanopathy (congenital with impaired intellectual development), type B, 1. Also called: MUSCULAR DYSTROPHY, CONGENITAL, POMT1-RELATED; Muscular dystrophy-dystroglycanopathy (congenital with intellectual disability), type B1. Identifiers: MedGen C5436962, MONDO:0013159, OMIM 613155.
Autosomal recessive limb-girdle muscular dystrophy type 2K. Also called: MUSCULAR DYSTROPHY-DYSTROGLYCANOPATHY (LIMB-GIRDLE), TYPE C, 1; MUSCULAR DYSTROPHY, LIMB-GIRDLE, TYPE 2K. Identifiers: Orphanet 86812, MedGen C1836373, MONDO:0012248, OMIM 609308.

Submission:

Labcorp Genetics (formerly Invitae), Labcorp
Classification: Likely pathogenic for Muscular dystrophy-dystroglycanopathy (congenital with impaired intellectual development), type B, 1; Walker-Warburg congenital muscular dystrophy; Autosomal recessive limb-girdle muscular dystrophy type 2K. Last evaluated: 2023-07-17. Review status: criteria provided, single submitter. Criteria: Invitae Variant Classification Sherloc (09022015). Collection method: clinical testing. Allele origin: germline.
Comment: In summary, the currently available evidence indicates that the variant is pathogenic, but additional data are needed to prove that conclusively. Therefore, this variant has been classified as Likely Pathogenic. This sequence change affects a donor splice site in intron 6 of the POMT1 gene. It is expected to disrupt RNA splicing. Variants that disrupt the donor or acceptor splice site typically lead to a loss of protein function (PMID: 16199547), and loss-of-function variants in POMT1 are known to be pathogenic (PMID: 12369018, 15637732, 16575835). This variant is not present in population databases (gnomAD no frequency). This variant has not been reported in the literature in individuals affected with POMT1-related conditions. Algorithms developed to predict the effect of sequence changes on RNA splicing suggest that this variant may disrupt the consensus splice site.

Literature cited by the submitters: PubMed 16199547; PubMed 12369018; PubMed 15637732; PubMed 16575835.

NM_001077365.2(POMT1):c.539+2T>C

Gene: POMT1 (protein O-mannosyltransferase 1; plus strand). Cytogenetic location: 9q34.13.
Variant type: single nucleotide variant.
Coding change: c.539+2T>C on transcript NM_001077365.2 (MANE Select); the canonical splice donor site of the intron after coding-DNA position 539, T replaced by C.
Molecular consequence: splice donor variant.
Genome position (GRCh38, 1-based): chr9:131,509,024, T>C. VCF-style: chr9-131509024-T-C. GRCh37 (hg19) VCF-style: chr9-134384411-T-C.
Other names: c.377+2T>C (NM_001353198.2, NM_001353194.2, NM_001374689.1 and 3 more transcripts); c.539+2T>C (NM_001353193.2, NM_001136113.2, NM_007171.4 and 1 more transcripts); c.188+2T>C (NM_001374691.1, NM_001353195.2, NM_001374692.1 and 2 more transcripts); c.449+2T>C (NM_001353196.2); c.83+2T>C (NM_001374695.1, NM_001353200.2); c.-598+2T>C (NM_001411024.1).
Identifiers: ClinVar variation 2949951 (VCV002949951.3), dbSNP rs2539114783, ClinGen allele CA375307117.